The following is an entry in ClinVar:

ClinVar aggregate classification (germline): Uncertain significance (1 of 4 stars; one submission).

Submission:

GeneDx
Classification: Uncertain significance. Last evaluated: 2024-01-08. Review status: criteria provided, single submitter. Criteria: GeneDx Variant Classification Process June 2021. Collection method: clinical testing. Allele origin: germline. Affected: yes.
Comment: Not observed at significant frequency in large population cohorts (gnomAD); In silico analysis supports that this variant does not alter protein structure/function; Has not been previously published as pathogenic or benign to our knowledge

NM_015114.3(ANKLE2):c.364_366delinsTAT (p.His122Tyr)

Gene: ANKLE2 (ankyrin repeat and LEM domain containing 2; minus strand). Cytogenetic location: 12q24.33.
Variant type: Indel.
Coding change: c.364_366delinsTAT on transcript NM_015114.3 (MANE Select); coding-DNA positions 364 to 366, CAC replaced by TAT.
Protein change: p.His122Tyr; replaces histidine 122 with tyrosine.
Molecular consequence: missense variant.
Genome position (GRCh38, 1-based): chr12:132,754,949-132,754,951, GTG replaced by ATA on the plus strand (CAC replaced by TAT on the coding strand, the reverse complement: ANKLE2 is on the minus strand). VCF-style: chr12-132754949-GTG-ATA. GRCh37 (hg19) VCF-style: chr12-133331535-GTG-ATA.
Other names: short protein forms H122Y.
Identifiers: ClinVar variation 3367368 (VCV003367368.1).
Genomic context (GRCh38, chr12:132,754,949, plus strand): 5'-TTCAGCTGGCTTCAAAATCCTTTGTGGGTCCTGGCTGAGAGCTGTGACACCTGCCTCATG[GTG>ATA]GTAGAAAGAAGACAGCCTTCCTCCTTGCTCCAGTAAAGCCTGAGCCAATTTTTTCTCAAA-3'
Protein context (NP_055929.1, residues 112-132): EQGGRLSSFY[His122Tyr]HEAGVTALSQ